The following is an entry in ClinVar:

NM_020207.7(ERCC6L2):c.3295G>A (p.Val1099Ile)

Gene: ERCC6L2 (ERCC excision repair 6 like 2; plus strand). Cytogenetic location: 9q22.32.
Variant type: single nucleotide variant.
Coding change: c.3295G>A on transcript NM_020207.7 (MANE Select); coding-DNA position 3295, G replaced by A.
Protein change: p.Val1099Ile; replaces valine 1099 with isoleucine.
Molecular consequence: missense variant. On other transcripts: non-coding transcript variant (1).
Genome position (GRCh38, 1-based): chr9:95,973,046, G>A. VCF-style: chr9-95973046-G-A. GRCh37 (hg19) VCF-style: chr9-98735328-G-A.
Other names: c.3295G>A, p.Val1099Ile (NM_001375291.1, NM_001375292.1, NM_001375293.1 and 1 more transcripts); short protein forms V1099I.
Identifiers: ClinVar variation 1519124 (VCV001519124.6), dbSNP rs1832497938, ClinGen allele CA1127035107.

ClinVar aggregate classification (germline): Uncertain significance (1 of 4 stars; one submission).

Allele frequency attached by ClinVar (database versions not stated): gnomAD exomes below 0.00001; TOPMed below 0.00001; gnomAD 0.00001.
gnomAD v4.1: 4 of 1,361,484 alleles (0.00029%); highest among the groups gnomAD compares: Non-Finnish European, 0.00039%; no homozygotes.

Submission:

Labcorp Genetics (formerly Invitae), Labcorp
Classification: Uncertain significance. Last evaluated: 2024-03-10. Review status: criteria provided, single submitter. Criteria: Invitae Variant Classification Sherloc (09022015). Collection method: clinical testing. Allele origin: germline.
Comment: This sequence change replaces valine, which is neutral and non-polar, with isoleucine, which is neutral and non-polar, at codon 1110 of the ERCC6L2 protein (p.Val1110Ile). This variant is not present in population databases (gnomAD no frequency). This variant has not been reported in the literature in individuals affected with ERCC6L2-related conditions. ClinVar contains an entry for this variant (Variation ID: 1519124). Experimental studies and prediction algorithms are not available or were not evaluated, and the functional significance of this variant is currently unknown. In summary, the available evidence is currently insufficient to determine the role of this variant in disease. Therefore, it has been classified as a Variant of Uncertain Significance.